The following is an entry in ClinVar:

ClinVar aggregate classification (germline): Benign/Likely benign. Review status: criteria provided, multiple submitters, no conflicts (2 of 4 stars). 4 submissions from 4 submitters: Benign (2); Likely benign (1). 1 of the submissions does not count toward it. Last evaluated 2026-01-22.

Conditions:
PGM1-related disorder. Also called: PGM1-related disorders; PGM1-related condition.
PGM1-congenital disorder of glycosylation. Also called: Congenital disorder of glycosylation type 1t; PHOSPHOGLUCOMUTASE 1 DEFICIENCY; PGM1 DEFICIENCY; GLYCOGEN STORAGE DISEASE XIV; CDG It; GSD XIV. Identifiers: Orphanet 319646, MedGen C2752015, MONDO:0013968, OMIM 614921.

Allele frequency attached by ClinVar (database versions not stated): gnomAD 0.00038 and 0.00076; TOPMed 0.00048; ExAC 0.00130; gnomAD exomes 0.00139; 1000 Genomes Project 30x 0.00453; 1000 Genomes Project 0.00559.
gnomAD v4.1: 1,299 of 1,614,114 alleles (0.08%); highest among the groups gnomAD compares: East Asian, 2.6%; 20 homozygotes.

Submissions (4):

Labcorp Genetics (formerly Invitae), Labcorp
Classification: Benign for PGM1-congenital disorder of glycosylation. Last evaluated: 2026-01-22. Review status: criteria provided, single submitter. Criteria: Invitae Variant Classification Sherloc (09022015). Collection method: clinical testing. Allele origin: germline.

Blueprint Genetics
Classification: Likely benign. Last evaluated: 2024-11-01. Review status: criteria provided, single submitter. Criteria: ACMG Guidelines, 2015. Collection method: clinical testing. Allele origin: germline.

Illumina Laboratory Services, Illumina
Classification: Benign for PGM1-congenital disorder of glycosylation. Last evaluated: 2017-04-27. Review status: criteria provided, single submitter. Criteria: ICSL Variant Classification Criteria 13 December 2019. Collection method: clinical testing. Allele origin: germline.
Comment: This variant was observed as part of a predisposition screen in an ostensibly healthy population. A literature search was performed for the gene, cDNA change, and amino acid change (where applicable). No publications were found based on this search. Allele frequency data from public databases was too high to be consistent with this variant causing disease. Therefore, this variant is classified as benign.

PreventionGenetics, part of Exact Sciences
Classification: Benign for PGM1-related condition. Last evaluated: 2019-07-12. Review status: no assertion criteria provided. Collection method: clinical testing. Allele origin: germline. Not counted in ClinVar's aggregate classification.
Comment: This variant is classified as benign based on ACMG/AMP sequence variant interpretation guidelines (Richards et al. 2015 PMID: 25741868, with internal and published modifications).

NM_002633.3(PGM1):c.987C>T (p.Arg329=)

Gene: PGM1 (phosphoglucomutase 1; plus strand). Cytogenetic location: 1p31.3.
Variant type: single nucleotide variant.
Coding change: c.987C>T on transcript NM_002633.3 (MANE Select); coding-DNA position 987, C replaced by T.
Protein change: p.Arg329=; no amino-acid change (arginine 329 retained).
Molecular consequence: synonymous variant.
Genome position (GRCh38, 1-based): chr1:63,636,347, C>T. VCF-style: chr1-63636347-C-T. GRCh37 (hg19) VCF-style: chr1-64102018-C-T.
Other names: c.1041C>T, p.Arg347= (NM_001172818.1); c.396C>T, p.Arg132= (NM_001172819.2).
Identifiers: ClinVar variation 706013 (VCV000706013.16), dbSNP rs79097301, ClinGen allele CA889676.